The following is an entry in ClinVar:

NM_003480.4(MFAP5):c.296G>A (p.Arg99Gln)

Gene: MFAP5 (microfibril associated protein 5; minus strand). Cytogenetic location: 12p13.31.
Variant type: single nucleotide variant.
Coding change: c.296G>A on transcript NM_003480.4 (MANE Select); coding-DNA position 296, G replaced by A.
Protein change: p.Arg99Gln; replaces arginine 99 with glutamine.
Molecular consequence: missense variant. On other transcripts: non-coding transcript variant (2), intron variant (1).
Genome position (GRCh38, 1-based): chr12:8,650,541, C>T on the plus strand (G>A on the coding strand, the complement: MFAP5 is on the minus strand). VCF-style: chr12-8650541-C-T. GRCh37 (hg19) VCF-style: chr12-8803137-C-T.
Other names: c.296G>A (NM_003480.3); c.266G>A, p.Arg89Gln (NM_001297709.2); c.230G>A, p.Arg77Gln (NM_001297710.2); c.221G>A, p.Arg74Gln (NM_001297711.2); c.218-2338G>A (NM_001297712.2); short protein forms R74Q, R77Q, R89Q, R99Q.
Identifiers: ClinVar variation 1608161 (VCV001608161.25), dbSNP rs756494536, ClinGen allele CA6434640.
Genomic context (GRCh38, chr12:8,650,541, plus strand): 5'-GGGCATTCTGGGATCCCTTACCTGGTGAAGCATAACTGATGAATGCATTGTTTAACCGGC[C>T]GATGCACAGAGTAGAGCCTTGTGCAGGTAAATTTCTCATCCCAGCACTCTGAGGAAGCCC-3'
Protein context (NP_003471.1, residues 89-109): FTCTRLYSVH[Arg99Gln]PVKQCIHQLC

ClinVar aggregate classification (germline): Likely benign. Review status: criteria provided, multiple submitters, no conflicts (2 of 4 stars). 4 submissions from 4 submitters: Likely benign (4). Last evaluated 2026-02-01.

Conditions:
MFAP5-related disorder. Also called: MFAP5-related condition.
Cardiovascular phenotype. Identifiers: MedGen CN230736.

Allele frequency attached by ClinVar (database versions not stated): gnomAD exomes 0.00009 and 0.00014; ExAC 0.00010; gnomAD 0.00011; TOPMed 0.00011.
gnomAD v4.1: 151 of 1,613,888 alleles (0.0094%); highest among the groups gnomAD compares: Middle Eastern, 0.049%; no homozygotes.

Submissions (4):

CeGaT Center for Human Genetics Tuebingen
Classification: Likely benign. Last evaluated: 2026-02-01. Review status: criteria provided, single submitter. Criteria: CeGaT Center For Human Genetics Tuebingen Variant Classification Criteria Version 2. Collection method: clinical testing. Allele origin: germline. Affected: yes. Observed: 3 variant alleles.
Comment: MFAP5: BP4

Labcorp Genetics (formerly Invitae), Labcorp
Classification: Likely benign. Last evaluated: 2026-01-25. Review status: criteria provided, single submitter. Criteria: Invitae Variant Classification Sherloc (09022015). Collection method: clinical testing. Allele origin: germline.

Ambry Genetics
Classification: Likely benign for Cardiovascular phenotype. Last evaluated: 2025-11-18. Review status: criteria provided, single submitter. Criteria: Ambry Variant Classification Scheme 2023. Collection method: clinical testing. Allele origin: germline.

PreventionGenetics, part of Exact Sciences
Classification: Likely benign for MFAP5-related condition. Last evaluated: 2025-08-12. Review status: criteria provided, single submitter. Criteria: ACMG Guidelines, 2015. Collection method: clinical testing. Allele origin: germline.
Comment: This variant is classified as likely benign based on ACMG/AMP sequence variant interpretation guidelines (Richards et al. 2015 PMID: 25741868, with internal and published modifications).